The following is an entry in ClinVar:

NM_000069.3(CACNA1S):c.1827+5G>C

Gene: CACNA1S (calcium voltage-gated channel subunit alpha1 S; minus strand). Cytogenetic location: 1q32.1.
Variant type: single nucleotide variant.
Coding change: c.1827+5G>C on transcript NM_000069.3 (MANE Select); 5 bases into the intron after coding-DNA position 1827, G replaced by C.
Molecular consequence: intron variant.
Genome position (GRCh38, 1-based): chr1:201,076,915, C>G on the plus strand (G>C on the coding strand, the complement: CACNA1S is on the minus strand). VCF-style: chr1-201076915-C-G. GRCh37 (hg19) VCF-style: chr1-201046043-C-G.
Identifiers: ClinVar variation 1318696 (VCV001318696.4), dbSNP rs758002358, ClinGen allele CA078599.

ClinVar aggregate classification (germline): Uncertain significance. Review status: criteria provided, multiple submitters, no conflicts (2 of 4 stars). 3 submissions from 3 submitters: Uncertain significance (3). Last evaluated 2025-06-18.

Conditions:
Malignant hyperthermia, susceptibility to, 5 (MHS5). Also called: CACNA1S-Related Malignant Hyperthermia Susceptibility. Identifiers: Orphanet 423, MedGen C1866077, MONDO:0011163, OMIM 601887.

Allele frequency attached by ClinVar (database versions not stated): gnomAD 0.00001; gnomAD exomes below 0.00001; ExAC 0.00001.
gnomAD v4.1: 8 of 1,613,534 alleles (0.0005%); highest among the groups gnomAD compares: Non-Finnish European, 0.00068%; no homozygotes.

Submissions (3):

Color Diagnostics, LLC DBA Color Health
Classification: Uncertain significance for Malignant hyperthermia, susceptibility to, 5. Last evaluated: 2025-06-18. Review status: criteria provided, single submitter. Criteria: ACMG Guidelines, 2015. Collection method: clinical testing. Allele origin: germline.
Comment: This variant causes a G to C nucleotide substitution at the +5 position of intron 12 of the CACNA1S gene. To our knowledge, RNA studies have not been reported for this variant. This variant has not been reported in individuals affected with CACNA1S-related disorders in the literature. This variant has been identified in 1/251494 chromosomes in the general population by the Genome Aggregation Database (gnomAD). The available evidence is insufficient to determine the role of this variant in disease conclusively. Therefore, this variant is classified as a Variant of Uncertain Significance.

All of Us Research Program, National Institutes of Health
Classification: Uncertain significance for Malignant hyperthermia, susceptibility to, 5. Last evaluated: 2023-12-13. Review status: criteria provided, single submitter. Criteria: ACMG Guidelines, 2015. Collection method: clinical testing. Allele origin: germline. Inheritance: Autosomal dominant inheritance. Observed: 3 variant alleles, 3 heterozygotes.
Comment: This variant causes a G to C nucleotide substitution at the +5 position of intron 12 of the CACNA1S gene. To our knowledge, functional studies have not been reported for this variant. This variant has not been reported in individuals affected with CACNA1S-related disorders in the literature. This variant has been identified in 1/251494 chromosomes in the general population by the Genome Aggregation Database (gnomAD). The available evidence is insufficient to determine the role of this variant in disease conclusively. Therefore, this variant is classified as a Variant of Uncertain Significance.

This study involves interpretation of variants in research participants for the purpose of population health screening. Participant phenotype was not available at the time of variant classification. Additional details can be found in publication PMID: 35346344, PMCID: PMC8962531

GeneDx
Classification: Uncertain significance. Last evaluated: 2019-08-19. Review status: criteria provided, single submitter. Criteria: GeneDx Variant Classification Process June 2021. Collection method: clinical testing. Allele origin: germline. Affected: yes.
Comment: Has not been previously published as pathogenic or benign to our knowledge; Not observed at a significant frequency in large population cohorts (Lek et al., 2016)